The following is an entry in ClinVar:

ClinVar aggregate classification (germline): Uncertain significance (1 of 4 stars; one submission).

Conditions:
Intellectual developmental disorder, autosomal recessive 73 (MRT73). Identifiers: MedGen C5676902, MONDO:0030533, OMIM 619717.

Submission:

Victorian Clinical Genetics Services, Murdoch Childrens Research Institute
Classification: Uncertain significance for Intellectual developmental disorder, autosomal recessive 73. Last evaluated: 2025-10-07. Review status: criteria provided, single submitter. Criteria: ACMG Guidelines, 2015. Collection method: clinical testing. Allele origin: germline. Affected: yes.
Comment: This variant is classified as VUS-3A. Evidence in support of pathogenic classification: Variant is absent from gnomAD (v2, v3 and v4); Missense variant predicted to be damaging by in silico tool(s) or highly conserved with a major amino acid change. Additional information: Variant is predicted to result in a missense amino acid change from Leu to Arg; This variant is heterozygous; This gene is associated with autosomal recessive disease; Alternative amino acid change(s) at the same position are present in gnomAD (Highest allele count: v4: 1 heterozygote(s), 0 homozygote(s)); This variant has no previous evidence of pathogenicity; No published evidence of segregation with disease has been identified for this variant; No published functional evidence has been identified for this variant; Another missense variant(s) comparable to the one identified in this case has inconclusive previous evidence for pathogenicity. p.(Leu86Pro) has been classified as a VUS by a clinical laboratory in ClinVar. - Variant is located in the annotated acetyltransferase (GNAT) family domain (DECIPHER) - Loss of function is a known mechanism of disease in this gene and is associated with intellectual developmental disorder, autosomal recessive 73 (MIM#619717).

NM_016100.5(NAA20):c.257T>G (p.Leu86Arg)

Gene: NAA20 (N-alpha-acetyltransferase 20, NatB catalytic subunit; plus strand). Cytogenetic location: 20p11.23.
Variant type: single nucleotide variant.
Coding change: c.257T>G on transcript NM_016100.5 (MANE Select); coding-DNA position 257, T replaced by G.
Protein change: p.Leu86Arg; replaces leucine 86 with arginine.
Molecular consequence: missense variant.
Genome position (GRCh38, 1-based): chr20:20,026,871, T>G. VCF-style: chr20-20026871-T-G. GRCh37 (hg19) VCF-style: chr20-20007515-T-G.
Other names: c.221T>G, p.Leu74Arg (NM_181527.3); c.257T>G, p.Leu86Arg (NM_181528.3); short protein forms L74R, L86R.
Identifiers: ClinVar variation 4531747 (VCV004531747.1).